The following is an entry in ClinVar:

NM_003742.4(ABCB11):c.2290G>A (p.Val764Met)

Gene: ABCB11 (ATP binding cassette subfamily B member 11; minus strand). Cytogenetic location: 2q31.1.
Variant type: single nucleotide variant.
Coding change: c.2290G>A on transcript NM_003742.4 (MANE Select); coding-DNA position 2290, G replaced by A.
Protein change: p.Val764Met; replaces valine 764 with methionine.
Molecular consequence: missense variant.
Genome position (GRCh38, 1-based): chr2:168,958,017, C>T on the plus strand (G>A on the coding strand, the complement: ABCB11 is on the minus strand). VCF-style: chr2-168958017-C-T. GRCh37 (hg19) VCF-style: chr2-169814527-C-T.
Other names: short protein forms V764M.
Identifiers: ClinVar variation 4746076 (VCV004746076.1).
Genomic context (GRCh38, chr2:168,958,017, plus strand): 5'-TACTTACCCCAAGAATCTGGCTGAATAAAAAGGCATACAAGGGTGTGACTGTCCCGTTCA[C>T]AGCTGCACCCACAGACCCTACCAGCATGTAGGGCCATTCTGGAGCACTGAATTTCAGAAT-3'
Protein context (NP_003733.2, residues 754-774): YMLVGSVGAA[Val764Met]NGTVTPLYAF

ClinVar aggregate classification (germline): Uncertain significance (1 of 4 stars; one submission).

Submission:

Labcorp Genetics (formerly Invitae), Labcorp
Classification: Uncertain significance. Last evaluated: 2025-06-30. Review status: criteria provided, single submitter. Criteria: Invitae Variant Classification Sherloc (09022015). Collection method: clinical testing. Allele origin: germline.
Comment: This sequence change replaces valine, which is neutral and non-polar, with methionine, which is neutral and non-polar, at codon 764 of the ABCB11 protein (p.Val764Met). This variant is not present in population databases (gnomAD no frequency). This variant has not been reported in the literature in individuals affected with ABCB11-related conditions. Invitae Evidence Modeling of protein sequence and biophysical properties (such as structural, functional, and spatial information, amino acid conservation, physicochemical variation, residue mobility, and thermodynamic stability) indicates that this missense variant is not expected to disrupt ABCB11 protein function with a negative predictive value of 80%. In summary, the available evidence is currently insufficient to determine the role of this variant in disease. Therefore, it has been classified as a Variant of Uncertain Significance.